The following is an entry in ClinVar:

ClinVar aggregate classification (germline): Likely benign (1 of 4 stars; one submission).

Submission:

CeGaT Center for Human Genetics Tuebingen
Classification: Likely benign. Last evaluated: 2026-04-01. Review status: criteria provided, single submitter. Criteria: CeGaT Center For Human Genetics Tuebingen Variant Classification Criteria Version 2. Collection method: clinical testing. Allele origin: germline. Affected: yes. Observed: 1 variant allele.
Comment: SHANK3: BP4

NM_001372044.2(SHANK3):c.4489C>T (p.Leu1497=)

Gene: SHANK3 (SH3 and multiple ankyrin repeat domains 3; plus strand). Cytogenetic location: 22q13.33.
Variant type: single nucleotide variant.
Coding change: c.4489C>T on transcript NM_001372044.2 (MANE Select); coding-DNA position 4489, C replaced by T.
Protein change: p.Leu1497=; no amino-acid change (leucine 1497 retained).
Molecular consequence: synonymous variant.
Genome position (GRCh38, 1-based): chr22:50,722,097, C>T. VCF-style: chr22-50722097-C-T. GRCh37 (hg19) VCF-style: chr22-51160525-C-T.
Identifiers: ClinVar variation 4874692 (VCV004874692.2).